The following is an entry in ClinVar:

ClinVar aggregate classification (germline): Uncertain significance. Review status: criteria provided, multiple submitters, no conflicts (2 of 4 stars). 3 submissions from 3 submitters: Uncertain significance (2). 1 of the submissions does not count toward it. Last evaluated 2024-10-18.

Conditions:
NPHP4-related disorder. Also called: NPHP4-related condition; NPHP4-related disorders. Identifiers: MedGen CN239384.
Senior-Loken syndrome 4 (SLSN4). Identifiers: Orphanet 3156, MedGen C1846979, MONDO:0011756, OMIM 606996.
Nephronophthisis 4 (NPHP4). Also called: NEPHRONOPHTHISIS 4, JUVENILE. Identifiers: Orphanet 655, MedGen C1847013, MONDO:0011752, OMIM 606966.

Allele frequency attached by ClinVar (database versions not stated): gnomAD 0.00001; gnomAD exomes 0.00001; ExAC 0.00002.
gnomAD v4.1: 18 of 1,613,874 alleles (0.0011%); highest among the groups gnomAD compares: South Asian, 0.0066%; no homozygotes.

Submissions (3):

Blueprint Genetics
Classification: Uncertain significance. Last evaluated: 2024-10-18. Review status: criteria provided, single submitter. Criteria: ACMG Guidelines, 2015. Collection method: clinical testing. Allele origin: germline.

Fulgent Genetics
Classification: Uncertain significance for Nephronophthisis 4; Senior-Loken syndrome 4. Last evaluated: 2024-03-20. Review status: criteria provided, single submitter. Criteria: ACMG Guidelines, 2015. Collection method: clinical testing. Allele origin: germline.

PreventionGenetics, part of Exact Sciences
Classification: Uncertain significance for NPHP4-related condition. Last evaluated: 2024-02-10. Review status: no assertion criteria provided. Collection method: clinical testing. Allele origin: germline. Not counted in ClinVar's aggregate classification.
Comment: The NPHP4 c.2074G>A variant is predicted to result in the amino acid substitution p.Gly692Ser. To our knowledge, this variant has not been reported in the literature. This variant is reported in 0.0065% of alleles in individuals of South Asian descent in gnomAD. At this time, the clinical significance of this variant is uncertain due to the absence of conclusive functional and genetic evidence.

NM_015102.5(NPHP4):c.2074G>A (p.Gly692Ser)

Gene: NPHP4 (nephrocystin 4; minus strand). Cytogenetic location: 1p36.31.
Variant type: single nucleotide variant.
Coding change: c.2074G>A on transcript NM_015102.5 (MANE Select); coding-DNA position 2074, G replaced by A.
Protein change: p.Gly692Ser; replaces glycine 692 with serine.
Molecular consequence: missense variant. On other transcripts: non-coding transcript variant (1).
Genome position (GRCh38, 1-based): chr1:5,904,686, C>T on the plus strand (G>A on the coding strand, the complement: NPHP4 is on the minus strand). VCF-style: chr1-5904686-C-T. GRCh37 (hg19) VCF-style: chr1-5964746-C-T.
Other names: c.535G>A, p.Gly179Ser (NM_001291593.2); c.538G>A, p.Gly180Ser (NM_001291594.2); short protein forms G179S, G180S, G692S.
Identifiers: ClinVar variation 3054296 (VCV003054296.4), dbSNP rs768620166, ClinGen allele CA554282.